The following is an entry in ClinVar:

ClinVar aggregate classification (germline): Uncertain significance (1 of 4 stars; one submission).

Submission:

GeneDx
Classification: Uncertain significance. Last evaluated: 2014-08-17. Review status: criteria provided, single submitter. Criteria: GeneDx Variant Classification (06012015). Collection method: clinical testing. Allele origin: germline. Affected: yes.
Comment: c.6273_6274delCCinsTT: p.Arg2092Cys (R2092C) in exon 48 of the SPTAN1 gene (NM_001130438.2). The normal sequence with the bases that are deleted in braces followed by the inserted bases in brackets is: ACTT{CC}[TT]GCAA. The c.6273_6274delCCinsTT variant has not been published as a mutation, nor has it been reported as a benign polymorphism to our knowledge. It was not observed in approximately 6,500 individuals of European and African American ancestry in the NHLBI Exome Sequencing Project, indicating it is not a common benign variant in these populations. The c.6273_6274delCCinsTT variant results in an in-frame deletion of a single Arginine residue and the insertion of a single Cysteine residue, denoted p.R2092C. The R2092C variant is a non-conservative amino acid substitution, which is likely to impact secondary protein structure as these residues differ in polarity, charge, size and/or other properties. This substitution occurs at a conserved position in the predicted Spectrin 22 repeat. Previously reported pathogenic mutations in SPTAN1 include in-frame deletions or duplications located within the last four spectrin repeats of the protein, which are essential for dimerization (Saitsu et al., 2010), and the R2092 residue is within this region. Additionally, in silico analysis predicts this variant is probably damaging to the protein structure/function. However, based on the currently available information, it is unclear whether this variant is a pathogenic mutation or a rare benign variant. The variant is found in EPILEPSY panel(s).

NM_001130438.3(SPTAN1):c.6273_6274delinsTT (p.Arg2092Cys)

Gene: SPTAN1 (spectrin alpha, non-erythrocytic 1; plus strand). Cytogenetic location: 9q34.11.
Variant type: Indel.
Coding change: c.6273_6274delinsTT on transcript NM_001130438.3 (MANE Select); coding-DNA positions 6273 to 6274, CC replaced by TT.
Protein change: p.Arg2092Cys; replaces arginine 2092 with cysteine.
Molecular consequence: missense variant.
Genome position (GRCh38, 1-based): chr9:128,625,972-128,625,973, CC replaced by TT. VCF-style: chr9-128625972-CC-TT. GRCh37 (hg19) VCF-style: chr9-131388251-CC-TT.
Other names: p.R2092C:CGC>TGC; c.6198_6199delinsTT, p.Arg2067Cys (NM_001195532.2); c.6273_6274delinsTT, p.Arg2092Cys (NM_001363759.2); c.6213_6214delinsTT, p.Arg2072Cys (NM_001363765.2); c.6258_6259delinsTT, p.Arg2087Cys (NM_003127.4); short protein forms R2067C, R2087C, R2072C, R2092C.
Identifiers: ClinVar variation 207368 (VCV000207368.1), dbSNP rs796053333, ClinGen allele CA318765.
Genomic context (GRCh38, chr9:128,625,972, plus strand): 5'-CCAGCTTCTGGCCAACTCAGCCGCCCGCAAGAAGAAGCTTCTGGAGGCTCAGAGTCACTT[CC>TT]GCAAGGTGAGGATGGGGCCACGTGAAGCTTAGCTGGCCCACAGCTCAAGGAAGGACGCCC-3'
Protein context (NP_001123910.1, residues 2082-2102): KKLLEAQSHF[Arg2092Cys]KVEDLFLTFA